The following is an entry in ClinVar:

NM_003850.3(SUCLA2):c.1108-282A>G

Gene: SUCLA2 (succinate-CoA ligase ADP-forming subunit beta; minus strand). Cytogenetic location: 13q14.2.
Variant type: single nucleotide variant.
Coding change: c.1108-282A>G on transcript NM_003850.3 (MANE Select); 282 bases into the intron before coding-DNA position 1108, A replaced by G.
Molecular consequence: intron variant.
Genome position (GRCh38, 1-based): chr13:47,949,885, T>C on the plus strand (A>G on the coding strand, the complement: SUCLA2 is on the minus strand). VCF-style: chr13-47949885-T-C. GRCh37 (hg19) VCF-style: chr13-48524020-T-C.
Identifiers: ClinVar variation 684103 (VCV000684103.1), dbSNP rs12874522, ClinGen allele CA13918160.

ClinVar aggregate classification (germline): Benign (1 of 4 stars; one submission).

Allele frequency attached by ClinVar (database versions not stated): 1000 Genomes Project 0.94209; TOPMed 0.94048 and 0.93943; gnomAD 0.93667.
gnomAD v4.1: 142,486 of 152,284 alleles (94%); highest among the groups gnomAD compares: East Asian, 100%; 66,691 homozygotes.

Submission:

GeneDx
Classification: Benign. Last evaluated: 2018-06-14. Review status: criteria provided, single submitter. Criteria: GeneDx Variant Classification (06012015). Collection method: clinical testing. Allele origin: germline. Affected: yes.
Comment: This variant is considered likely benign or benign based on one or more of the following criteria: it is a conservative change, it occurs at a poorly conserved position in the protein, it is predicted to be benign by multiple in silico algorithms, and/or has population frequency not consistent with disease.